The following is an entry in ClinVar:

NM_001035.3(RYR2):c.11406C>T (p.Val3802=)

Gene: RYR2 (ryanodine receptor 2; plus strand). Cytogenetic location: 1q43.
Variant type: single nucleotide variant.
Coding change: c.11406C>T on transcript NM_001035.3 (MANE Select); coding-DNA position 11406, C replaced by T.
Protein change: p.Val3802=; no amino-acid change (valine 3802 retained).
Molecular consequence: synonymous variant.
Genome position (GRCh38, 1-based): chr1:237,760,958, C>T. VCF-style: chr1-237760958-C-T. GRCh37 (hg19) VCF-style: chr1-237924258-C-T.
Identifiers: ClinVar variation 2413493 (VCV002413493.8), dbSNP rs1693384127, ClinGen allele CA423822180.

ClinVar aggregate classification (germline): Likely benign. Review status: criteria provided, multiple submitters, no conflicts (2 of 4 stars). 2 submissions from 2 submitters: Likely benign (2). Last evaluated 2025-10-31.

Conditions:
Catecholaminergic polymorphic ventricular tachycardia (CVPT). Also called: Catecholamine-induced polymorphic ventricular tachycardia. Identifiers: Orphanet 3286, MedGen C5574922, MONDO:0017990.
Catecholaminergic polymorphic ventricular tachycardia 1. Also called: VENTRICULAR TACHYCARDIA, CATECHOLAMINERGIC POLYMORPHIC, 1, WITH OR WITHOUT ATRIAL DYSFUNCTION AND/OR DILATED CARDIOMYOPATHY; VENTRICULAR TACHYCARDIA, STRESS-INDUCED POLYMORPHIC 1; RYR2-Related Catecholaminergic Polymorphic Ventricular Tachycardia. Identifiers: Orphanet 3286, MedGen C1631597, MONDO:0011484, OMIM 604772.

Allele frequency attached by ClinVar (database versions not stated): gnomAD exomes below 0.00001.

Submissions (2):

Labcorp Genetics (formerly Invitae), Labcorp
Classification: Likely benign for Catecholaminergic polymorphic ventricular tachycardia 1. Last evaluated: 2025-10-31. Review status: criteria provided, single submitter. Criteria: Invitae Variant Classification Sherloc (09022015). Collection method: clinical testing. Allele origin: germline.

All of Us Research Program, National Institutes of Health
Classification: Likely benign for Catecholaminergic polymorphic ventricular tachycardia. Last evaluated: 2024-06-09. Review status: criteria provided, single submitter. Criteria: ACMG Guidelines, 2015. Collection method: clinical testing. Allele origin: germline. Inheritance: Autosomal dominant inheritance. Observed: 1 variant allele, 1 heterozygote.
Comment: This study involves interpretation of variants in research participants for the purpose of population health screening. Participant phenotype was not available at the time of variant classification. Additional details can be found in publication PMID: 35346344, PMCID: PMC8962531